The following is an entry in ClinVar:

ClinVar aggregate classification (germline): Uncertain significance (1 of 4 stars; one submission).

Submission:

GeneDx
Classification: Uncertain significance. Last evaluated: 2024-12-12. Review status: criteria provided, single submitter. Criteria: GeneDx Variant Classification Process June 2021. Collection method: clinical testing. Allele origin: germline. Affected: yes.
Comment: Not observed at significant frequency in large population cohorts (gnomAD); In silico analysis indicates that this missense variant does not alter protein structure/function; Has not been previously published as pathogenic or benign to our knowledge

NM_001378454.1(ALMS1):c.1735G>A (p.Gly579Arg)

Gene: ALMS1 (ALMS1 centrosome and basal body associated protein; plus strand). Cytogenetic location: 2p13.1.
Variant type: single nucleotide variant.
Coding change: c.1735G>A on transcript NM_001378454.1 (MANE Select); coding-DNA position 1735, G replaced by A.
Protein change: p.Gly579Arg; replaces glycine 579 with arginine.
Molecular consequence: missense variant.
Genome position (GRCh38, 1-based): chr2:73,448,262, G>A. VCF-style: chr2-73448262-G-A. GRCh37 (hg19) VCF-style: chr2-73675389-G-A.
Other names: c.1738G>A, p.Gly580Arg (NM_015120.4); short protein forms G579R, G580R.
Identifiers: ClinVar variation 3903218 (VCV003903218.1).